The following is an entry in ClinVar:

NM_001567.4(INPPL1):c.3515G>A (p.Arg1172His)

Gene: INPPL1 (inositol polyphosphate phosphatase like 1; plus strand). Cytogenetic location: 11q13.4.
Variant type: single nucleotide variant.
Coding change: c.3515G>A on transcript NM_001567.4 (MANE Select); coding-DNA position 3515, G replaced by A.
Protein change: p.Arg1172His; replaces arginine 1172 with histidine.
Molecular consequence: missense variant.
Genome position (GRCh38, 1-based): chr11:72,237,759, G>A. VCF-style: chr11-72237759-G-A. GRCh37 (hg19) VCF-style: chr11-71948803-G-A.
Other names: c.3515G>A (NM_001567.3); short protein forms R1172H.
Identifiers: ClinVar variation 2417244 (VCV002417244.3), dbSNP rs778425524, ClinGen allele CA6170660.

ClinVar aggregate classification (germline): Uncertain significance. Review status: criteria provided, multiple submitters, no conflicts (2 of 4 stars). 2 submissions from 2 submitters: Uncertain significance (2). Last evaluated 2025-05-21.

Conditions:
Inborn genetic diseases. Identifiers: MedGen C0950123, MeSH D030342.

Allele frequency attached by ClinVar (database versions not stated): gnomAD exomes 0.00001; ExAC 0.00002; gnomAD 0.00003; TOPMed 0.00003.

Submissions (2):

Ambry Genetics
Classification: Uncertain significance for Inborn genetic diseases. Last evaluated: 2025-05-21. Review status: criteria provided, single submitter. Criteria: Ambry Variant Classification Scheme 2023. Collection method: clinical testing. Allele origin: germline.

Labcorp Genetics (formerly Invitae), Labcorp
Classification: Uncertain significance. Last evaluated: 2025-01-27. Review status: criteria provided, single submitter. Criteria: Invitae Variant Classification Sherloc (09022015). Collection method: clinical testing. Allele origin: germline.
Comment: This sequence change replaces arginine, which is basic and polar, with histidine, which is basic and polar, at codon 1172 of the INPPL1 protein (p.Arg1172His). The frequency data for this variant in the population databases is considered unreliable, as metrics indicate poor data quality at this position in the gnomAD database. This variant has not been reported in the literature in individuals affected with INPPL1-related conditions. ClinVar contains an entry for this variant (Variation ID: 2417244). An algorithm developed to predict the effect of missense changes on protein structure and function (PolyPhen-2) suggests that this variant is likely to be disruptive. In summary, the available evidence is currently insufficient to determine the role of this variant in disease. Therefore, it has been classified as a Variant of Uncertain Significance.